The following is an entry in ClinVar:

NM_024675.4(PALB2):c.1894G>T (p.Glu632Ter)

Gene: PALB2 (partner and localizer of BRCA2; minus strand). Cytogenetic location: 16p12.2.
Variant type: single nucleotide variant.
Coding change: c.1894G>T on transcript NM_024675.4 (MANE Select); coding-DNA position 1894, G replaced by T.
Protein change: p.Glu632Ter; replaces glutamic acid 632 with a stop codon.
Molecular consequence: nonsense.
Genome position (GRCh38, 1-based): chr16:23,630,260, C>A on the plus strand (G>T on the coding strand, the complement: PALB2 is on the minus strand). VCF-style: chr16-23630260-C-A. GRCh37 (hg19) VCF-style: chr16-23641581-C-A.
Other names: c.1834G>T, p.Glu612Ter (NM_001407296.1); c.1894G>T, p.Glu632Ter (NM_001407297.1, NM_001407298.1, NM_001407299.1 and 3 more transcripts); c.1009G>T, p.Glu337Ter (NM_001407304.1, NM_001407305.1, NM_001407306.1 and 5 more transcripts); c.106G>T, p.Glu36Ter (NM_001407312.1, NM_001407313.1); short protein forms E337*, E36*, E632*, E612*.
Identifiers: ClinVar variation 1782126 (VCV001782126.2), dbSNP rs2142386640, ClinGen allele CA395127604.
Genomic context (GRCh38, chr16:23,630,260, plus strand): 5'-TTCCCTCTTTAAGATGTCTCTCTCCAAACATTTTTGACTCAAAGGGCTCCACTGGTTTTT[C>A]TGAGCAGGACTTCACTTTTTCAAGCTTAAGAGGTCCAAAGTCTTCATCAGGTAACTGAAA-3'

ClinVar aggregate classification (germline): Pathogenic (1 of 4 stars; one submission).

Conditions:
Hereditary cancer-predisposing syndrome. Also called: Neoplastic Syndromes, Hereditary; Tumor predisposition; Hereditary Cancer Syndrome; Hereditary neoplastic syndrome. Identifiers: Orphanet 140162, MedGen C0027672, MeSH D009386, MONDO:0015356.

Submission:

Ambry Genetics
Classification: Pathogenic for Hereditary cancer-predisposing syndrome. Last evaluated: 2019-09-26. Review status: criteria provided, single submitter. Criteria: Ambry Variant Classification Scheme 2023. Collection method: clinical testing. Allele origin: germline.
Comment: The p.E632* pathogenic mutation (also known as c.1894G>T), located in coding exon 5 of the PALB2 gene, results from a G to T substitution at nucleotide position 1894. This changes the amino acid from a glutamic acid to a stop codon within coding exon 5. This alteration is expected to result in loss of function by premature protein truncation or nonsense-mediated mRNA decay. As such, this alteration is interpreted as a disease-causing mutation.